The following is an entry in ClinVar:

NM_025114.4(CEP290):c.1189+1G>A

Gene: CEP290 (centrosomal protein 290; minus strand). Cytogenetic location: 12q21.32.
Variant type: single nucleotide variant.
Coding change: c.1189+1G>A on transcript NM_025114.4 (MANE Select); the canonical splice donor site of the intron after coding-DNA position 1189, G replaced by A.
Molecular consequence: splice donor variant.
Genome position (GRCh38, 1-based): chr12:88,125,245, C>T on the plus strand (G>A on the coding strand, the complement: CEP290 is on the minus strand). VCF-style: chr12-88125245-C-T. GRCh37 (hg19) VCF-style: chr12-88519022-C-T.
Identifiers: ClinVar variation 857949 (VCV000857949.20), dbSNP rs2039659434, ClinGen allele CA385981026.

ClinVar aggregate classification (germline): Pathogenic. Review status: reviewed by expert panel (3 of 4 stars). 7 submissions from 7 submitters: Pathogenic (1). 6 of the submissions do not count toward it. Last evaluated 2026-07-20.

Conditions:
CEP290-related ciliopathy. Also called: CEP290 ciliopathy. Identifiers: MedGen CN305601, MONDO:0100451.
Joubert syndrome 5 (JBTS5). Identifiers: Orphanet 2318, MedGen C1857780, MONDO:0012432, OMIM 610188.
Bardet-Biedl syndrome 14 (BBS14). Identifiers: Orphanet 110, MedGen C2673874, MONDO:0014442, OMIM 615991.
Leber congenital amaurosis (LCA). Also called: Leber's amaurosis. Identifiers: Orphanet 65, MedGen C0339527, MeSH D057130, MONDO:0018998.
CEP290-related disorder. Also called: CEP290-related condition; CEP290-related disorders. Identifiers: MedGen CN239314.
Nephronophthisis. Also called: Juvenile Nephronophthisis. Identifiers: Orphanet 655, MedGen C0687120, MONDO:0019005, HP:0000090.
Meckel-Gruber syndrome. Also called: GRUBER SYNDROME; DYSENCEPHALIA SPLANCHNOCYSTICA; Dysencephalia splachnocystica. Identifiers: Orphanet 564, MedGen C0265215, MONDO:0018921.
Joubert syndrome. Also called: Familial aplasia of the vermis; JOUBERT-BOLTSHAUSER SYNDROME. Identifiers: Orphanet 475, MedGen C5979921, MONDO:0018772.

Allele frequency attached by ClinVar (database versions not stated): gnomAD exomes below 0.00001.
gnomAD v4.1: 1 of 756,776 alleles (0.00013%); highest among the groups gnomAD compares: Non-Finnish European, 0.00019%; no homozygotes.

Submissions (7):

ClinGen Leber Congenital Amaurosis/early Onset Retinal Dystrophy Variant Curation Expert Panel, ClinGen
Classification: Pathogenic for CEP290-related ciliopathy. Last evaluated: 2026-07-20. Review status: reviewed by expert panel. Criteria: ClinGen LCAeoRD ACMG Specifications CEP290 V1.0.0. Collection method: curation. Allele origin: germline. Inheritance: Autosomal recessive inheritance.
Comment: NM_025114.4(CEP290):c.1189+1G>A disrupts a canonical splice site in intron 13 and is predicted to lead to skipping of a critical out-of-frame exon. This variant is present in gnomAD v4.1.1 at a total allele frequency of 0.000001321, with 1 allele / 756,776 total alleles, which is lower than the ClinGen LCA/eoRD VCEP PM2_Supporting threshold of <0.0006 (PM2_Supporting). This variant has been reported in at least 1 proband with a diagnosis of Senior-Loken syndrome including retinal dystrophy who was compound heterozygous with the NM_025114.4(CEP290):c.4723A>T (p.Lys1575Ter) variant suspected in trans. A second proband with a diagnosis of LCA was compound heterozygous with the NM_025114.4(CEP290):c.2991+1655A>G (p.Cys998Ter) variant confirmed in trans. Both were previous previously classified Pathogenic by the ClinGen LCA/eoRD VCEP. (1.5 total points, PMID: 23188109, PMID: 28829391, and CEP290 database; PM3). In summary, this variant meets the criteria to be classified as Pathogenic for CEP290-related ciliopathy based on the ACMG/AMP criteria applied, as specified by the ClinGen LCA/eoRD VCEP: PVS1, PM2_Supporting, and PM3. (LCA/eoRD VCEP Specifications for CEP290 Version 1.0.0)

PreventionGenetics, part of Exact Sciences
Classification: Pathogenic for CEP290-related condition. Last evaluated: 2026-06-03. Review status: criteria provided, single submitter. Criteria: ACMG Guidelines, 2015. Collection method: clinical testing. Allele origin: germline. Not counted in ClinVar's aggregate classification.
Comment: The CEP290 c.1189+1G>A variant is predicted to disrupt the GT donor site and interfere with normal splicing. This variant has been reported, along with a second CEP290 variant, in individuals with CEP290-related disorders (Halbritter et al. 2012. PubMed ID: 23188109; Tavakoli et al. 2020. PubMed ID: 37008293; Testa et al. 2021. PubMed ID: 34196655). This variant has not been reported in a large population database (gnomAD), indicating this variant is rare. Variants that disrupt the consensus splice donor site in CEP290 are expected to be pathogenic. This variant is interpreted as pathogenic.

Labcorp Genetics (formerly Invitae), Labcorp
Classification: Pathogenic for Joubert syndrome; Meckel-Gruber syndrome; Nephronophthisis. Last evaluated: 2025-11-03. Review status: criteria provided, single submitter. Criteria: Invitae Variant Classification Sherloc (09022015). Collection method: clinical testing. Allele origin: germline. Not counted in ClinVar's aggregate classification.
Comment: This sequence change affects a donor splice site in intron 13 of the CEP290 gene. It is expected to disrupt RNA splicing. Variants that disrupt the donor or acceptor splice site typically lead to a loss of protein function (PMID: 16199547), and loss-of-function variants in CEP290 are known to be pathogenic (PMID: 16909394, 17345604, 20690115). This variant is not present in population databases (gnomAD no frequency). Disruption of this splice site has been observed in individual(s) with Leber congenital amaurosis or Senior-Loken syndrome (PMID: 20683928, 23188109). In at least one individual the data is consistent with being in trans (on the opposite chromosome) from a pathogenic variant. ClinVar contains an entry for this variant (Variation ID: 857949). Algorithms developed to predict the effect of sequence changes on RNA splicing suggest that this variant may disrupt the consensus splice site. For these reasons, this variant has been classified as Pathogenic.

Natera, Inc.
Classification: Pathogenic for Leber congenital amaurosis. Last evaluated: 2025-01-26. Review status: criteria provided, single submitter. Criteria: Natera Variant Classification Schema (03/2026). Collection method: clinical testing. Allele origin: germline. Not counted in ClinVar's aggregate classification.
Comment: The c.1189+1G>A variant in CEP290 is a canonical splice donor site variant predicted to affect pre-mRNA splicing, which may result in an abnormal transcript and altered protein product. This variant is expected to result in nonsense mediated decay, truncation, or a dysfunctional protein product. This variant is rare in the general population with a frequency below the threshold expected for the associated phenotype(s). This variant has been observed in one or more individuals affected with the associated recessive disease, as either homozygous or compound heterozygous with a second variant (PMID: 20683928). Given the available evidence, this variant is classified as Pathogenic.

Myriad Genetics, Inc.
Classification: Pathogenic for CEP290-related ciliopathy. Last evaluated: 2025-01-22. Review status: criteria provided, single submitter. Criteria: Myriad Autosomal Dominant, Autosomal Recessive and X-Linked Classification Criteria (2023). Collection method: clinical testing. Allele origin: unknown. Not counted in ClinVar's aggregate classification.
Comment: NM_025114.3(CEP290):c.1189+1G>A is a variant in a canonical splice site classified as pathogenic in the context of CEP290-related disorders. c.1189+1G>A has been observed in cases with relevant disease (PMID: 23188109, 37008293). Relevant functional assessments of this variant are not available in the literature. c.1189+1G>A has not been observed in referenced population frequency databases. In summary, NM_025114.3(CEP290):c.1189+1G>A is a variant in a canonical splice site in a gene where loss of function is a known mechanism of disease, is predicted to disrupt protein function, and has been observed more frequently in cases with the relevant disease than in healthy populations. Please note: this variant was assessed in the context of healthy population screening.

Baylor Genetics
Classification: Pathogenic for Bardet-Biedl syndrome 14. Last evaluated: 2023-05-31. Review status: criteria provided, single submitter. Criteria: ACMG Guidelines, 2015. Collection method: clinical testing. Allele origin: unknown. Not counted in ClinVar's aggregate classification.

Greenwood Genetic Center Diagnostic Laboratories, Greenwood Genetic Center
Classification: Pathogenic for Joubert syndrome 5; Bardet-Biedl syndrome 14. Last evaluated: 2021-11-10. Review status: criteria provided, single submitter. Criteria: ACMG Guidelines, 2015. Collection method: clinical testing. Allele origin: germline. Affected: yes. Not counted in ClinVar's aggregate classification.
Comment: PVS1, PM2, PM3

Literature cited by the submitters: PubMed 16199547 (cited by Labcorp Genetics (formerly Invitae), Labcorp); PubMed 16909394 (cited by Labcorp Genetics (formerly Invitae), Labcorp); PubMed 17345604 (cited by Labcorp Genetics (formerly Invitae), Labcorp); PubMed 20690115 (cited by Labcorp Genetics (formerly Invitae), Labcorp); PubMed 20683928 (cited by Labcorp Genetics (formerly Invitae), Labcorp and Natera, Inc.); PubMed 23188109 (cited by Labcorp Genetics (formerly Invitae), Labcorp and Myriad Genetics, Inc.); PubMed 37008293 (cited by Myriad Genetics, Inc.).